The following is an entry in ClinVar:

NM_001035.3(RYR2):c.11476+5T>C

Gene: RYR2 (ryanodine receptor 2; plus strand). Cytogenetic location: 1q43.
Variant type: single nucleotide variant.
Coding change: c.11476+5T>C on transcript NM_001035.3 (MANE Select); 5 bases into the intron after coding-DNA position 11476, T replaced by C.
Molecular consequence: intron variant.
Genome position (GRCh38, 1-based): chr1:237,761,033, T>C. VCF-style: chr1-237761033-T-C. GRCh37 (hg19) VCF-style: chr1-237924333-T-C.
Identifiers: ClinVar variation 3070286 (VCV003070286.1), dbSNP rs2527466608, ClinGen allele CA2651214210.

ClinVar aggregate classification (germline): Uncertain significance (1 of 4 stars; one submission).

Conditions:
Catecholaminergic polymorphic ventricular tachycardia (CVPT). Also called: Catecholamine-induced polymorphic ventricular tachycardia. Identifiers: Orphanet 3286, MedGen C5574922, MONDO:0017990.

Allele frequency attached by ClinVar (database versions not stated): gnomAD exomes below 0.00001.
gnomAD v4.1: 1 of 1,544,230 alleles (0.000065%); highest among the groups gnomAD compares: Non-Finnish European, 0.000088%; no homozygotes.

Submission:

All of Us Research Program, National Institutes of Health
Classification: Uncertain significance for Catecholaminergic polymorphic ventricular tachycardia. Last evaluated: 2023-04-03. Review status: criteria provided, single submitter. Criteria: ACMG Guidelines, 2015. Collection method: clinical testing. Allele origin: germline. Inheritance: Autosomal dominant inheritance. Observed: 1 variant allele, 1 heterozygote.
Comment: This variant causes a T to C nucleotide substitution at the +5 position of intron 84 of the RYR2 gene. To our knowledge, functional studies have not been reported for this variant. This variant has not been reported in individuals affected with RYR2-related disorders in the literature. This variant has not been identified in the general population by the Genome Aggregation Database (gnomAD). The available evidence is insufficient to determine the role of this variant in disease conclusively. Therefore, this variant is classified as a Variant of Uncertain Significance.

This study involves interpretation of variants in research participants for the purpose of population health screening. Participant phenotype was not available at the time of variant classification. Additional details can be found in publication PMID: 35346344, PMCID: PMC8962531